The following is an entry in ClinVar:

ClinVar aggregate classification (germline): Uncertain significance (1 of 4 stars; one submission).

Conditions:
SND1-related disorder. Also called: SND1-related condition.

Submission:

PreventionGenetics, part of Exact Sciences
Classification: Uncertain significance for SND1-related condition. Last evaluated: 2025-03-24. Review status: criteria provided, single submitter. Criteria: ACMG Guidelines, 2015. Collection method: clinical testing. Allele origin: germline.
Comment: The SND1 c.255C>A variant is predicted to result in the amino acid substitution p.Phe85Leu. To our knowledge, this variant has not been reported in the literature or in a large population database (gnomAD), indicating this variant is rare. At this time, the clinical significance of this variant is uncertain due to the absence of conclusive functional and genetic evidence.

NM_014390.4(SND1):c.255C>A (p.Phe85Leu)

Gene: SND1 (staphylococcal nuclease and tudor domain containing 1; plus strand). Cytogenetic location: 7q32.1.
Variant type: single nucleotide variant.
Coding change: c.255C>A on transcript NM_014390.4 (MANE Select); coding-DNA position 255, C replaced by A.
Protein change: p.Phe85Leu; replaces phenylalanine 85 with leucine.
Molecular consequence: missense variant.
Genome position (GRCh38, 1-based): chr7:127,694,854, C>A. VCF-style: chr7-127694854-C-A. GRCh37 (hg19) VCF-style: chr7-127334908-C-A.
Other names: short protein forms F85L.
Identifiers: ClinVar variation 4984019 (VCV004984019.1).